The following is an entry in ClinVar:

NM_198075.4(LRRC56):c.440ACA[2] (p.Asn149del)

Gene: LRRC56 (leucine rich repeat containing 56; plus strand). Cytogenetic location: 11p15.5.
Variant type: Microsatellite.
Coding change: c.440ACA[2] on transcript NM_198075.4 (MANE Select); two copies in a row of the 3-base unit ACA starting at c.440; the reference has three copies in a row; one copy, 3 bases deleted.
Protein change: p.Asn149del; deletes asparagine 149.
Molecular consequence: inframe deletion.
Genome position (GRCh38, 1-based): chr11:550,094-550,096, ACA deleted; deleting any 3 consecutive bases within chr11:550,088-550,096 gives the same sequence; the position shown is the placement nearest the transcript's 3' end. VCF-style (leftmost placement, unchanged base first): chr11-550087-TACA-T. GRCh37 (hg19) VCF-style: chr11-550087-TACA-T.
Other names: short protein forms N149del.
Identifiers: ClinVar variation 2162028 (VCV002162028.1), dbSNP rs752863572, ClinGen allele CA5779711.
Genomic context (GRCh38, chr11:550,087, plus strand): 5'-GCCTGGGCTGGGCCGGGCCCTGGCTCAGAGCCCCGCGCTGCCCAGGAACTCTACGCCTCC[TACA>T]ACAACATCTCGGACCTGAGCCCACTGTGCCTGCTGGAACAATTGGAGGTGCTGGACCTGG-3'

ClinVar aggregate classification (germline): Uncertain significance (1 of 4 stars; one submission).

Submission:

Labcorp Genetics (formerly Invitae), Labcorp
Classification: Uncertain significance. Last evaluated: 2022-08-05. Review status: criteria provided, single submitter. Criteria: Invitae Variant Classification Sherloc (09022015). Collection method: clinical testing. Allele origin: germline.
Comment: This variant, c.446_448del, results in the deletion of 1 amino acid(s) of the LRRC56 protein (p.Asn149del), but otherwise preserves the integrity of the reading frame. This variant is present in population databases (rs752863572, gnomAD 0.02%). This variant has not been reported in the literature in individuals affected with LRRC56-related conditions. Experimental studies and prediction algorithms are not available or were not evaluated, and the functional significance of this variant is currently unknown. In summary, the available evidence is currently insufficient to determine the role of this variant in disease. Therefore, it has been classified as a Variant of Uncertain Significance.